The following is an entry in ClinVar:

NM_052867.4(NALCN):c.5113C>A (p.Pro1705Thr)

Genes: NALCN (sodium leak channel, non-selective; minus strand), NALCN-AS1 (NALCN antisense RNA 1; plus strand). Cytogenetic location: 13q32.3.
Variant type: single nucleotide variant.
Coding change: c.5113C>A on transcript NM_052867.4 (MANE Select); coding-DNA position 5113, C replaced by A.
Protein change: p.Pro1705Thr; replaces proline 1705 with threonine.
Molecular consequence: missense variant. On other transcripts: non-coding transcript variant (1).
Genome position (GRCh38, 1-based): chr13:101,055,399, G>T on the plus strand (C>A on the coding strand, the complement: NALCN is on the minus strand). VCF-style: chr13-101055399-G-T. GRCh37 (hg19) VCF-style: chr13-101707751-G-T.
Other names: c.5200C>A, p.Pro1734Thr (NM_001350748.2); c.5113C>A, p.Pro1705Thr (NM_001350749.2); c.5026C>A, p.Pro1676Thr (NM_001350750.2, NM_001350751.2); short protein forms P1705T, P1734T, P1676T.
Identifiers: ClinVar variation 2759026 (VCV002759026.3), dbSNP rs779310313, ClinGen allele CA388642984.

ClinVar aggregate classification (germline): Uncertain significance (1 of 4 stars; one submission).

gnomAD v4.1: 1 of 1,614,104 alleles (0.000062%); highest among the groups gnomAD compares: Non-Finnish European, 0.000085%; no homozygotes.

Submission:

Labcorp Genetics (formerly Invitae), Labcorp
Classification: Uncertain significance. Last evaluated: 2024-01-12. Review status: criteria provided, single submitter. Criteria: Invitae Variant Classification Sherloc (09022015). Collection method: clinical testing. Allele origin: germline.
Comment: This sequence change replaces proline, which is neutral and non-polar, with threonine, which is neutral and polar, at codon 1705 of the NALCN protein (p.Pro1705Thr). This variant is not present in population databases (gnomAD no frequency). This variant has not been reported in the literature in individuals affected with NALCN-related conditions. Advanced modeling of protein sequence and biophysical properties (such as structural, functional, and spatial information, amino acid conservation, physicochemical variation, residue mobility, and thermodynamic stability) performed at Invitae indicates that this missense variant is not expected to disrupt NALCN protein function with a negative predictive value of 80%. In summary, the available evidence is currently insufficient to determine the role of this variant in disease. Therefore, it has been classified as a Variant of Uncertain Significance.